The following is an entry in ClinVar:

ClinVar aggregate classification (germline): Uncertain significance. Review status: criteria provided, multiple submitters, no conflicts (2 of 4 stars). 2 submissions from 2 submitters: Uncertain significance (2). Last evaluated 2025-05-15.

Conditions:
Hereditary cancer-predisposing syndrome. Also called: Neoplastic Syndromes, Hereditary; Hereditary Cancer Syndrome; Tumor predisposition; Hereditary neoplastic syndrome. Identifiers: Orphanet 140162, MedGen C0027672, MeSH D009386, MONDO:0015356.
Familial melanoma. Also called: Hereditary melanoma; Hereditary cutaneous melanoma. Identifiers: Orphanet 618, MedGen C1512419, MONDO:0018961.

Allele frequency attached by ClinVar (database versions not stated): gnomAD exomes 0.00001.

Submissions (2):

Ambry Genetics
Classification: Uncertain significance for Hereditary cancer-predisposing syndrome. Last evaluated: 2025-05-15. Review status: criteria provided, single submitter. Criteria: Ambry Variant Classification Scheme 2023. Collection method: clinical testing. Allele origin: germline.
Comment: The p.P40L variant (also known as c.119C>T), located in coding exon 1 of the CDK4 gene, results from a C to T substitution at nucleotide position 119. The proline at codon 40 is replaced by leucine, an amino acid with similar properties. This amino acid position is well conserved in available vertebrate species. In addition, this alteration is predicted to be tolerated by in silico analysis. Based on the available evidence, the clinical significance of this variant remains unclear.

Labcorp Genetics (formerly Invitae), Labcorp
Classification: Uncertain significance for Familial melanoma. Last evaluated: 2024-03-14. Review status: criteria provided, single submitter. Criteria: Invitae Variant Classification Sherloc (09022015). Collection method: clinical testing. Allele origin: germline.
Comment: This sequence change replaces proline, which is neutral and non-polar, with leucine, which is neutral and non-polar, at codon 40 of the CDK4 protein (p.Pro40Leu). This variant is not present in population databases (gnomAD no frequency). This missense change has been observed in individual(s) with larynx cancer (PMID: 19690981). ClinVar contains an entry for this variant (Variation ID: 854591). An algorithm developed to predict the effect of missense changes on protein structure and function (PolyPhen-2) suggests that this variant is likely to be tolerated. In summary, the available evidence is currently insufficient to determine the role of this variant in disease. Therefore, it has been classified as a Variant of Uncertain Significance.

Literature cited by the submitters: PubMed 19690981 (cited by Labcorp Genetics (formerly Invitae), Labcorp).

NM_000075.4(CDK4):c.119C>T (p.Pro40Leu)

Genes: CDK4 (cyclin dependent kinase 4; minus strand), LOC130008148 (ATAC-STARR-seq lymphoblastoid silent region 4588; plus strand). Cytogenetic location: 12q14.1.
Variant type: single nucleotide variant.
Coding change: c.119C>T on transcript NM_000075.4 (MANE Select); coding-DNA position 119, C replaced by T.
Protein change: p.Pro40Leu; replaces proline 40 with leucine.
Molecular consequence: missense variant.
Genome position (GRCh38, 1-based): chr12:57,751,599, G>A on the plus strand (C>T on the coding strand, the complement: CDK4 is on the minus strand). VCF-style: chr12-57751599-G-A. GRCh37 (hg19) VCF-style: chr12-58145382-G-A.
Other names: short protein forms P40L.
Identifiers: ClinVar variation 854591 (VCV000854591.11), dbSNP rs376139539, ClinGen allele CA385548799.